The following is an entry in ClinVar:

NM_173689.7(CRB2):c.3755G>A (p.Arg1252His)

Gene: CRB2 (crumbs cell polarity complex component 2; plus strand). Cytogenetic location: 9q33.3.
Variant type: single nucleotide variant.
Coding change: c.3755G>A on transcript NM_173689.7 (MANE Select); coding-DNA position 3755, G replaced by A.
Protein change: p.Arg1252His; replaces arginine 1252 with histidine.
Molecular consequence: missense variant. On other transcripts: non-coding transcript variant (1).
Genome position (GRCh38, 1-based): chr9:123,376,959, G>A. VCF-style: chr9-123376959-G-A. GRCh37 (hg19) VCF-style: chr9-126139238-G-A.
Other names: short protein forms R1252H.
Identifiers: ClinVar variation 1810584 (VCV001810584.1), dbSNP rs756676294, ClinGen allele CA5232609.

ClinVar aggregate classification (germline): Uncertain significance (1 of 4 stars; one submission).

Allele frequency attached by ClinVar (database versions not stated): ExAC 0.00001; gnomAD 0.00001; TOPMed 0.00001.
gnomAD v4.1: 23 of 1,607,284 alleles (0.0014%); highest among the groups gnomAD compares: Non-Finnish European, 0.0019%; no homozygotes.

Submission:

GeneDx
Classification: Uncertain significance. Last evaluated: 2023-01-06. Review status: criteria provided, single submitter. Criteria: GeneDx Variant Classification Process June 2021. Collection method: clinical testing. Allele origin: germline. Affected: yes.
Comment: In silico analysis supports that this missense variant has a deleterious effect on protein structure/function; Not observed at significant frequency in large population cohorts (gnomAD); This variant is associated with the following publications: (PMID: 30811981, 33368894, 36071576)